The following is an entry in ClinVar:

ClinVar aggregate classification (germline): Likely benign (0 of 4 stars; one submission).

Conditions:
MARK3-related disorder. Also called: MARK3-related condition.

Allele frequency attached by ClinVar (database versions not stated): gnomAD 0.00002; TOPMed 0.00002; ExAC 0.00003.
gnomAD v4.1: 26 of 1,599,764 alleles (0.0016%); highest among the groups gnomAD compares: Middle Eastern, 0.083%; no homozygotes.

Submission:

PreventionGenetics, part of Exact Sciences
Classification: Likely benign for MARK3-related condition. Last evaluated: 2019-09-20. Review status: no assertion criteria provided. Collection method: clinical testing. Allele origin: germline.
Comment: This variant is classified as likely benign based on ACMG/AMP sequence variant interpretation guidelines (Richards et al. 2015 PMID: 25741868, with internal and published modifications).

NM_001128918.3(MARK3):c.150A>G (p.Gln50=)

Gene: MARK3 (microtubule affinity regulating kinase 3; plus strand). Cytogenetic location: 14q32.32.
Variant type: single nucleotide variant.
Coding change: c.150A>G on transcript NM_001128918.3 (MANE Select); coding-DNA position 150, A replaced by G.
Protein change: p.Gln50=; no amino-acid change (glutamine 50 retained).
Molecular consequence: synonymous variant. On other transcripts: intron variant (1).
Genome position (GRCh38, 1-based): chr14:103,405,174, A>G. VCF-style: chr14-103405174-A-G. GRCh37 (hg19) VCF-style: chr14-103871511-A-G.
Other names: c.150A>G, p.Gln50= (NM_001128919.3, NM_001128920.3, NM_001128921.3 and 2 more transcripts); c.51+19094A>G (NM_001411056.1).
Identifiers: ClinVar variation 3040090 (VCV003040090.2), dbSNP rs750895691, ClinGen allele CA7363729.